The following is an entry in ClinVar:

ClinVar aggregate classification (germline): Uncertain significance (1 of 4 stars; one submission).

Submission:

CeGaT Center for Human Genetics Tuebingen
Classification: Uncertain significance. Last evaluated: 2022-04-01. Review status: criteria provided, single submitter. Criteria: CeGaT Center For Human Genetics Tuebingen Variant Classification Criteria Version 2. Collection method: clinical testing. Allele origin: germline. Affected: yes. Observed: 1 variant allele.
Comment: SETX: PM2

NM_015046.7(SETX):c.4870C>G (p.Leu1624Val)

Gene: SETX (senataxin; minus strand). Cytogenetic location: 9q34.13.
Variant type: single nucleotide variant.
Coding change: c.4870C>G on transcript NM_015046.7 (MANE Select); coding-DNA position 4870, C replaced by G.
Protein change: p.Leu1624Val; replaces leucine 1624 with valine.
Molecular consequence: missense variant.
Genome position (GRCh38, 1-based): chr9:132,326,728, G>C on the plus strand (C>G on the coding strand, the complement: SETX is on the minus strand). VCF-style: chr9-132326728-G-C. GRCh37 (hg19) VCF-style: chr9-135202115-G-C.
Other names: c.4870C>G, p.Leu1624Val (NM_001351527.2, NM_001351528.2); short protein forms L1624V.
Identifiers: ClinVar variation 2659653 (VCV002659653.24), dbSNP rs1846802831, ClinGen allele CA375323708.